The following is an entry in ClinVar:

NM_000390.4(CHM):c.1497C>A (p.Cys499Ter)

Gene: CHM (CHM Rab escort protein; minus strand). Cytogenetic location: Xq21.2.
Variant type: single nucleotide variant.
Coding change: c.1497C>A on transcript NM_000390.4 (MANE Select); coding-DNA position 1497, C replaced by A.
Protein change: p.Cys499Ter; replaces cysteine 499 with a stop codon.
Molecular consequence: nonsense.
Genome position (GRCh38, 1-based): chrX:85,894,201, G>T on the plus strand (C>A on the coding strand, the complement: CHM is on the minus strand). VCF-style: chrX-85894201-G-T. GRCh37 (hg19) VCF-style: chrX-85149206-G-T.
Other names: c.1497C>A, p.Cys499Ter (LRG_699t1); c.1053C>A, p.Cys351Ter (NM_001320959.1, NM_001362517.1, NM_001362518.2 and 1 more transcripts); short protein forms C499*, C351*.
Identifiers: ClinVar variation 11153 (VCV000011153.6), dbSNP rs132630267, ClinGen allele CA255740.

ClinVar aggregate classification (germline): Pathogenic. Review status: criteria provided, multiple submitters, no conflicts (2 of 4 stars). 3 submissions from 3 submitters: Pathogenic (2). 1 of the submissions does not count toward it. Last evaluated 2023-09-06.

Conditions:
CHM-related disorders.
Choroideremia. Also called: Chorioretinal scalloped atrophy. Identifiers: Orphanet 180, MedGen C0008525, MONDO:0010557, OMIM 303100, HP:0001139.

Submissions (3):

Labcorp Genetics (formerly Invitae), Labcorp
Classification: Pathogenic. Last evaluated: 2023-09-06. Review status: criteria provided, single submitter. Criteria: Invitae Variant Classification Sherloc (09022015). Collection method: clinical testing. Allele origin: germline.
Comment: This variant is not present in population databases (gnomAD no frequency). This sequence change creates a premature translational stop signal (p.Cys499*) in the CHM gene. It is expected to result in an absent or disrupted protein product. Loss-of-function variants in CHM are known to be pathogenic (PMID: 9067750, 23811034). For these reasons, this variant has been classified as Pathogenic. ClinVar contains an entry for this variant (Variation ID: 11153). This premature translational stop signal has been observed in individual(s) with choroideraemia (PMID: 8477262).

Blueprint Genetics
Classification: Pathogenic for CHM-related disorders. Last evaluated: 2022-10-28. Review status: criteria provided, single submitter. Criteria: ACMG Guidelines, 2015. Collection method: clinical testing. Allele origin: germline. Affected: yes. Observed: 1 variant allele.

OMIM
Classification: Pathogenic for CHOROIDEREMIA. Last evaluated: 1993-01-01. Review status: no assertion criteria provided. Collection method: literature only. Allele origin: germline. Not counted in ClinVar's aggregate classification.

Literature cited by the submitters: PubMed 9067750 (cited by Labcorp Genetics (formerly Invitae), Labcorp); PubMed 23811034 (cited by Labcorp Genetics (formerly Invitae), Labcorp); PubMed 8477262 (cited by Labcorp Genetics (formerly Invitae), Labcorp and OMIM).